The following is an entry in ClinVar:

ClinVar aggregate classification (germline): Uncertain significance (1 of 4 stars; one submission).

Conditions:
Familial adenomatous polyposis 2. Also called: MUTYH-related attenuated familial adenomatous polyposis; COLORECTAL ADENOMATOUS POLYPOSIS, AUTOSOMAL RECESSIVE; ADENOMAS, MULTIPLE COLORECTAL, AUTOSOMAL RECESSIVE; MYH-associated polyposis; MUTYH-associated polyposis; MUTYH Polyposis. Identifiers: Orphanet 220460, Orphanet 247798, MedGen C3272841, MONDO:0012041, OMIM 608456.

Submission:

Labcorp Genetics (formerly Invitae), Labcorp
Classification: Uncertain significance for Familial adenomatous polyposis 2. Last evaluated: 2023-12-04. Review status: criteria provided, single submitter. Criteria: Invitae Variant Classification Sherloc (09022015). Collection method: clinical testing. Allele origin: germline.
Comment: This sequence change replaces cysteine, which is neutral and slightly polar, with arginine, which is basic and polar, at codon 332 of the MUTYH protein (p.Cys332Arg). This variant is not present in population databases (gnomAD no frequency). This variant has not been reported in the literature in individuals affected with MUTYH-related conditions. An algorithm developed to predict the effect of missense changes on protein structure and function (PolyPhen-2) suggests that this variant is likely to be disruptive. In summary, the available evidence is currently insufficient to determine the role of this variant in disease. Therefore, it has been classified as a Variant of Uncertain Significance.

NM_001048174.2(MUTYH):c.910T>C (p.Cys304Arg)

Gene: MUTYH (mutY DNA glycosylase; minus strand). Cytogenetic location: 1p34.1.
Variant type: single nucleotide variant.
Coding change: c.910T>C on transcript NM_001048174.2 (MANE Select); coding-DNA position 910, T replaced by C.
Protein change: p.Cys304Arg; replaces cysteine 304 with arginine.
Molecular consequence: missense variant. On other transcripts: non-coding transcript variant (7).
Genome position (GRCh38, 1-based): chr1:45,332,026, A>G on the plus strand (T>C on the coding strand, the complement: MUTYH is on the minus strand). VCF-style: chr1-45332026-A-G. GRCh37 (hg19) VCF-style: chr1-45797698-A-G.
Other names: c.910T>C, p.Cys304Arg (NM_001048171.2, NM_001048173.2, NM_001407088.1 and 6 more transcripts); c.913T>C, p.Cys305Arg (NM_001048172.2, NM_001407086.1, NM_001407078.1 and 1 more transcripts); c.994T>C, p.Cys332Arg (NM_001128425.2); c.955T>C, p.Cys319Arg (NM_001293190.2); c.943T>C, p.Cys315Arg (NM_001293191.2, NM_001407069.1, NM_001407077.1); c.931T>C, p.Cys311Arg (NM_001407087.1); c.634T>C, p.Cys212Arg (NM_001407091.1, NM_001293192.2, NM_001293196.2); c.985T>C, p.Cys329Arg (NM_012222.3); and 5 more; short protein forms C212R, C305R, C315R, C332R, C189R, C291R, C318R, C319R.
Identifiers: ClinVar variation 2798445 (VCV002798445.2), dbSNP rs1445730316, ClinGen allele CA340134010.